The following is an entry in ClinVar:

NM_000137.4(FAH):c.960+5G>A

Gene: FAH (fumarylacetoacetate hydrolase; plus strand). Cytogenetic location: 15q25.1.
Variant type: single nucleotide variant.
Coding change: c.960+5G>A on transcript NM_000137.4 (MANE Select); 5 bases into the intron after coding-DNA position 960, G replaced by A.
Molecular consequence: intron variant.
Genome position (GRCh38, 1-based): chr15:80,177,588, G>A. VCF-style: chr15-80177588-G-A. GRCh37 (hg19) VCF-style: chr15-80469930-G-A.
Other names: c.960+5G>A (NM_001374377.1, NM_001374380.1).
Identifiers: ClinVar variation 2161943 (VCV002161943.1), dbSNP rs2505859277, ClinGen allele CA2580090067.
Genomic context (GRCh38, chr15:80,177,588, plus strand): 5'-TTCCAACAGGAGAAGGAATGAGCCAGGCGGCTACCATATGCAAGTCCAATTTTAAGGTAA[G>A]CTTTGACGCTGATCAGACTGCTTTTTAGAATTGAGGGAAAGAGAGACTTTTCTTCCTGGC-3'

ClinVar aggregate classification (germline): Uncertain significance (1 of 4 stars; one submission).

Conditions:
Tyrosinemia type I (TYRSN1). Also called: FAH DEFICIENCY; Tyrosinemia type 1; Fumarylacetoacetase deficiency; Deficiency of fumarylacetoacetase; HEPATORENAL TYROSINEMIA. Identifiers: Orphanet 882, MedGen C0268490, MONDO:0010161, OMIM 276700. Disease mechanism: loss of function.

Submission:

Labcorp Genetics (formerly Invitae), Labcorp
Classification: Uncertain significance for Tyrosinemia type I. Last evaluated: 2022-07-25. Review status: criteria provided, single submitter. Criteria: Invitae Variant Classification Sherloc (09022015). Collection method: clinical testing. Allele origin: germline.
Comment: This sequence change falls in intron 11 of the FAH gene. It does not directly change the encoded amino acid sequence of the FAH protein. It affects a nucleotide within the consensus splice site. This variant is not present in population databases (gnomAD no frequency). This variant has not been reported in the literature in individuals affected with FAH-related conditions. Variants that disrupt the consensus splice site are a relatively common cause of aberrant splicing (PMID: 17576681, 9536098). Algorithms developed to predict the effect of sequence changes on RNA splicing suggest that this variant is not likely to affect RNA splicing. In summary, the available evidence is currently insufficient to determine the role of this variant in disease. Therefore, it has been classified as a Variant of Uncertain Significance.

Literature cited by the submitters: PubMed 17576681; PubMed 9536098.